The following is an entry in ClinVar:

ClinVar aggregate classification (germline): Uncertain significance (0 of 4 stars; one submission).

Conditions:
MYH14-related disorder. Also called: MYH14-related condition.

Allele frequency attached by ClinVar (database versions not stated): gnomAD exomes below 0.00001.

Submission:

PreventionGenetics, part of Exact Sciences
Classification: Uncertain significance for MYH14-related condition. Last evaluated: 2024-02-12. Review status: no assertion criteria provided. Collection method: clinical testing. Allele origin: germline.
Comment: The MYH14 c.5469+1G>T variant is predicted to disrupt the GT donor site and interfere with normal splicing. To our knowledge, this variant has not been reported in the literature or in a large population database, indicating this variant is rare. Although we suspect that this variant may be pathogenic, at this time, the clinical significance of this variant is uncertain due to the absence of conclusive functional and genetic evidence.

NM_001145809.2(MYH14):c.5469+1G>T

Gene: MYH14 (myosin heavy chain 14; plus strand). Cytogenetic location: 19q13.33.
Variant type: single nucleotide variant.
Coding change: c.5469+1G>T on transcript NM_001145809.2 (MANE Select); the canonical splice donor site of the intron after coding-DNA position 5469, G replaced by T.
Molecular consequence: splice donor variant.
Genome position (GRCh38, 1-based): chr19:50,293,688, G>T. VCF-style: chr19-50293688-G-T. GRCh37 (hg19) VCF-style: chr19-50796945-G-T.
Other names: c.5370+1G>T (NM_001077186.2); c.5346+1G>T (NM_024729.4).
Identifiers: ClinVar variation 3053235 (VCV003053235.2), dbSNP rs2513757411, ClinGen allele CA406963614.